The following is an entry in ClinVar:

NM_000038.6(APC):c.6652C>G (p.Gln2218Glu)

Gene: APC (APC regulator of Wnt signaling pathway; plus strand). Cytogenetic location: 5q22.2.
Variant type: single nucleotide variant.
Coding change: c.6652C>G on transcript NM_000038.6 (MANE Select); coding-DNA position 6652, C replaced by G.
Protein change: p.Gln2218Glu; replaces glutamine 2218 with glutamic acid.
Molecular consequence: missense variant. On other transcripts: non-coding transcript variant (2).
Genome position (GRCh38, 1-based): chr5:112,842,246, C>G. VCF-style: chr5-112842246-C-G. GRCh37 (hg19) VCF-style: chr5-112177943-C-G.
Other names: c.6652C>G, p.Gln2218Glu (NM_001127510.3, NM_001354895.2, NM_001407450.1); c.6598C>G, p.Gln2200Glu (NM_001127511.3); c.6706C>G, p.Gln2236Glu (NM_001354896.2, NM_001407447.1, NM_001407448.1 and 1 more transcripts); c.6682C>G, p.Gln2228Glu (NM_001354897.2); c.6577C>G, p.Gln2193Glu (NM_001354898.2); c.6568C>G, p.Gln2190Glu (NM_001354899.2); c.6529C>G, p.Gln2177Glu (NM_001354900.2); c.6475C>G, p.Gln2159Glu (NM_001354901.2, NM_001407453.1); and 11 more; short protein forms Q1834E, Q2177E, Q2058E, Q2127E, Q2190E, Q2193E, Q2236E, Q1935E.
Identifiers: ClinVar variation 4583433 (VCV004583433.1).

ClinVar aggregate classification (germline): Uncertain significance (1 of 4 stars; one submission).

Conditions:
Hereditary cancer-predisposing syndrome. Also called: Neoplastic Syndromes, Hereditary; Tumor predisposition; Hereditary Cancer Syndrome; Hereditary neoplastic syndrome. Identifiers: Orphanet 140162, MedGen C0027672, MeSH D009386, MONDO:0015356.

gnomAD v4.1: 1 of 1,614,016 alleles (0.000062%); highest among the groups gnomAD compares: Non-Finnish European, 0.000085%; no homozygotes.

Submission:

Ambry Genetics
Classification: Uncertain significance for Hereditary cancer-predisposing syndrome. Last evaluated: 2025-10-14. Review status: criteria provided, single submitter. Criteria: Ambry Variant Classification Scheme 2023. Collection method: clinical testing. Allele origin: germline.
Comment: The p.Q2218E variant (also known as c.6652C>G), located in coding exon 15 of the APC gene, results from a C to G substitution at nucleotide position 6652. The glutamine at codon 2218 is replaced by glutamic acid, an amino acid with highly similar properties. This amino acid position is conserved. In addition, in silico predictors for this gene do not accurately predict pathogenicity. Based on the available evidence, the clinical significance of this variant remains unclear.